The following is an entry in ClinVar:

NM_005629.4(SLC6A8):c.1495+8A>G

Gene: SLC6A8 (solute carrier family 6 member 8; plus strand). Cytogenetic location: Xq28.
Variant type: single nucleotide variant.
Coding change: c.1495+8A>G on transcript NM_005629.4 (MANE Select); 8 bases into the intron after coding-DNA position 1495, A replaced by G.
Molecular consequence: intron variant.
Genome position (GRCh38, 1-based): chrX:153,694,454, A>G. VCF-style: chrX-153694454-A-G. GRCh37 (hg19) VCF-style: chrX-152959909-A-G.
Other names: c.1465+8A>G (NM_001142805.2); c.1150+8A>G (NM_001142806.1).
Identifiers: ClinVar variation 390173 (VCV000390173.11), dbSNP rs1057523669, ClinGen allele CA16608737.
Genomic context (GRCh38, chrX:153,694,454, plus strand): 5'-CACCCTGCTCTGGCAGGCCTTTTGGGAGTGCGTGGTGGTGGCCTGGGTGTACGGTAGGTC[A>G]TGGCTGAGGGCTGGGCTGGGGGATGGTGGCGGGGAAGGCAGGTCTCCAGCTTGGCCCTCC-3'

ClinVar aggregate classification (germline): Likely benign. Review status: criteria provided, multiple submitters, no conflicts (2 of 4 stars). 2 submissions from 2 submitters: Likely benign (2). Last evaluated 2024-03-16.

Conditions:
Creatine transporter deficiency (CCDS1). Also called: SLC6A8-Related Creatine Transporter Deficiency; CREATINE TRANSPORTER DEFECT; CEREBRAL CREATINE DEFICIENCY SYNDROME 1; Mental retardation , X-linked with seizures, short stature and midface hypoplasia; Mental retardation , X-linked, with creatine transport deficiency; X-linked creatine transporter deficiency. Identifiers: Orphanet 52503, MedGen C1845862, MONDO:0010305, OMIM 300352.

Submissions (2):

Labcorp Genetics (formerly Invitae), Labcorp
Classification: Likely benign for Creatine transporter deficiency. Last evaluated: 2024-03-16. Review status: criteria provided, single submitter. Criteria: Invitae Variant Classification Sherloc (09022015). Collection method: clinical testing. Allele origin: germline.

GeneDx
Classification: Likely benign. Last evaluated: 2016-10-27. Review status: criteria provided, single submitter. Criteria: GeneDx Variant Classification (06012015). Collection method: clinical testing. Allele origin: germline. Affected: yes.
Comment: This variant is considered likely benign or benign based on one or more of the following criteria: it is a conservative change, it occurs at a poorly conserved position in the protein, it is predicted to be benign by multiple in silico algorithms, and/or has population frequency not consistent with disease.